The following is an entry in ClinVar:

ClinVar aggregate classification (germline): Benign. Review status: criteria provided, multiple submitters, no conflicts (2 of 4 stars). 4 submissions from 4 submitters: Benign (3). 1 of the submissions does not count toward it. Last evaluated 2026-02-01.

Conditions:
GSC-related disorder. Also called: GSC-related condition.

Allele frequency attached by ClinVar (database versions not stated): gnomAD exomes 0.00150; ExAC 0.00184; gnomAD 0.01556 and 0.01678; TOPMed 0.01770; 1000 Genomes Project 0.01877; 1000 Genomes Project 30x 0.01968.
gnomAD v4.1: 4,100 of 1,416,994 alleles (0.29%); highest among the groups gnomAD compares: African/African-American, 5.5%; 122 homozygotes.

Submissions (4):

Labcorp Genetics (formerly Invitae), Labcorp
Classification: Benign. Last evaluated: 2026-02-01. Review status: criteria provided, single submitter. Criteria: Invitae Variant Classification Sherloc (09022015). Collection method: clinical testing. Allele origin: germline.

GeneDx
Classification: Benign. Last evaluated: 2021-06-09. Review status: criteria provided, single submitter. Criteria: GeneDx Variant Classification Process June 2021. Collection method: clinical testing. Allele origin: germline. Affected: yes.

Breakthrough Genomics
Classification: Benign. Review status: criteria provided, single submitter. Criteria: ACMG Guidelines, 2015. Collection method: not provided. Allele origin: germline. Inheritance: Autosomal recessive inheritance. Affected: yes.

PreventionGenetics, part of Exact Sciences
Classification: Benign for GSC-related condition. Last evaluated: 2019-07-30. Review status: no assertion criteria provided. Collection method: clinical testing. Allele origin: germline. Not counted in ClinVar's aggregate classification.
Comment: This variant is classified as benign based on ACMG/AMP sequence variant interpretation guidelines (Richards et al. 2015 PMID: 25741868, with internal and published modifications).

NM_173849.3(GSC):c.214G>A (p.Ala72Thr)

Gene: GSC (goosecoid homeobox; minus strand). Cytogenetic location: 14q32.13.
Variant type: single nucleotide variant.
Coding change: c.214G>A on transcript NM_173849.3 (MANE Select); coding-DNA position 214, G replaced by A.
Protein change: p.Ala72Thr; replaces alanine 72 with threonine.
Molecular consequence: missense variant.
Genome position (GRCh38, 1-based): chr14:94,769,802, C>T on the plus strand (G>A on the coding strand, the complement: GSC is on the minus strand). VCF-style: chr14-94769802-C-T. GRCh37 (hg19) VCF-style: chr14-95236139-C-T.
Other names: short protein forms A72T.
Identifiers: ClinVar variation 783695 (VCV000783695.15), dbSNP rs145932252, ClinGen allele CA7330535.